The following is an entry in ClinVar:

ClinVar aggregate classification (germline): Uncertain significance (1 of 4 stars; one submission).

Conditions:
Joubert syndrome 23 (JBTS23). Identifiers: Orphanet 475, MedGen C4084822, MONDO:0014664, OMIM 616490.
Short-rib thoracic dysplasia 14 with polydactyly (SRTD14). Identifiers: Orphanet 397715, MedGen C4225286, MONDO:0014688, OMIM 616546.

Allele frequency attached by ClinVar (database versions not stated): TOPMed below 0.00001.

Submission:

Labcorp Genetics (formerly Invitae), Labcorp
Classification: Uncertain significance for Joubert syndrome 23; Short-rib thoracic dysplasia 14 with polydactyly. Last evaluated: 2025-12-01. Review status: criteria provided, single submitter. Criteria: Invitae Variant Classification Sherloc (09022015). Collection method: clinical testing. Allele origin: germline.
Comment: This sequence change replaces serine, which is neutral and polar, with proline, which is neutral and non-polar, at codon 578 of the KIAA0586 protein (p.Ser578Pro). This variant is not present in population databases (gnomAD no frequency). This variant has not been reported in the literature in individuals affected with KIAA0586-related conditions. ClinVar contains an entry for this variant (Variation ID: 1974145). Invitae Evidence Modeling of protein sequence and biophysical properties (such as structural, functional, and spatial information, amino acid conservation, physicochemical variation, residue mobility, and thermodynamic stability) has been performed for this missense variant. However, the output from this modeling did not meet the statistical confidence thresholds required to predict the impact of this variant on KIAA0586 protein function. In summary, the available evidence is currently insufficient to determine the role of this variant in disease. Therefore, it has been classified as a Variant of Uncertain Significance.

NM_001329943.3(KIAA0586):c.1573T>C (p.Ser525Pro)

Gene: KIAA0586 (KIAA0586; plus strand). Cytogenetic location: 14q23.1.
Variant type: single nucleotide variant.
Coding change: c.1573T>C on transcript NM_001329943.3 (MANE Select); coding-DNA position 1573, T replaced by C.
Protein change: p.Ser525Pro; replaces serine 525 with proline.
Molecular consequence: missense variant.
Genome position (GRCh38, 1-based): chr14:58,457,969, T>C. VCF-style: chr14-58457969-T-C. GRCh37 (hg19) VCF-style: chr14-58924687-T-C.
Other names: c.1732T>C, p.Ser578Pro (NM_001244189.2); c.1528T>C, p.Ser510Pro (NM_001244190.2); c.1318T>C, p.Ser440Pro (NM_001244191.2, NM_001329945.2, NM_001364700.1 and 1 more transcripts); c.1441T>C, p.Ser481Pro (NM_001244192.2); c.1153T>C, p.Ser385Pro (NM_001244193.2); c.1573T>C, p.Ser525Pro (NM_001329944.2, NM_001329946.2, NM_001329947.2 and 1 more transcripts); short protein forms S440P, S510P, S578P, S525P, S385P, S481P.
Identifiers: ClinVar variation 1974145 (VCV001974145.5), dbSNP rs2040016159, ClinGen allele CA389868998.